The following is an entry in ClinVar:

ClinVar aggregate classification (germline): Uncertain significance (1 of 4 stars; one submission).

Conditions:
Holoprosencephaly 2 (HPE2). Identifiers: Orphanet 2162, MedGen C1834877, MONDO:0007999, OMIM 157170.

Submission:

Labcorp Genetics (formerly Invitae), Labcorp
Classification: Uncertain significance for Holoprosencephaly 2. Last evaluated: 2025-06-02. Review status: criteria provided, single submitter. Criteria: Invitae Variant Classification Sherloc (09022015). Collection method: clinical testing. Allele origin: germline.
Comment: This variant, c.128_130del, results in the deletion of 1 amino acid(s) of the SIX3 protein (p.Gly43del), but otherwise preserves the integrity of the reading frame. The frequency data for this variant in the population databases is considered unreliable, as metrics indicate poor data quality at this position in the gnomAD database. This variant has not been reported in the literature in individuals affected with SIX3-related conditions. Experimental studies and prediction algorithms are not available or were not evaluated, and the functional significance of this variant is currently unknown. In summary, the available evidence is currently insufficient to determine the role of this variant in disease. Therefore, it has been classified as a Variant of Uncertain Significance.

NM_005413.4(SIX3):c.119GCG[3] (p.Gly43del)

Gene: SIX3 (SIX homeobox 3; plus strand). Cytogenetic location: 2p21.
Variant type: Microsatellite.
Coding change: c.119GCG[3] on transcript NM_005413.4 (MANE Select); three copies in a row of the 3-base unit GCG starting at c.119; the reference has four copies in a row; one copy, 3 bases deleted.
Protein change: p.Gly43del; deletes glycine 43.
Molecular consequence: inframe deletion.
Genome position (GRCh38, 1-based): chr2:44,942,232-44,942,234, GCG deleted; deleting any 3 consecutive bases within chr2:44,942,222-44,942,234 gives the same sequence; the position shown is the placement nearest the transcript's 3' end. VCF-style (leftmost placement, unchanged base first): chr2-44942221-AGGC-A. GRCh37 (hg19) VCF-style: chr2-45169360-AGGC-A.
Other names: short protein forms G43del.
Identifiers: ClinVar variation 2115518 (VCV002115518.4), dbSNP rs749091048, ClinGen allele CA532706661.